The following is an entry in ClinVar:

ClinVar aggregate classification (germline): Likely benign. Review status: criteria provided, multiple submitters, no conflicts (2 of 4 stars). 2 submissions from 2 submitters: Likely benign (2). Last evaluated 2022-11-19.

Conditions:
Inborn genetic diseases. Identifiers: MedGen C0950123, MeSH D030342.

Allele frequency attached by ClinVar (database versions not stated): TOPMed 0.00032; ExAC 0.00033; gnomAD 0.00036; gnomAD exomes 0.00047; ESP Exome Variant Server 0.00056.
gnomAD v4.1: 718 of 1,612,992 alleles (0.045%); highest among the groups gnomAD compares: Non-Finnish European, 0.054%; no homozygotes.

Submissions (2):

Ambry Genetics
Classification: Likely benign for Inborn genetic diseases. Last evaluated: 2022-11-19. Review status: criteria provided, single submitter. Criteria: Ambry Variant Classification Scheme 2023. Collection method: clinical testing. Allele origin: germline.

CeGaT Center for Human Genetics Tuebingen
Classification: Likely benign. Last evaluated: 2022-05-01. Review status: criteria provided, single submitter. Criteria: CeGaT Center For Human Genetics Tuebingen Variant Classification Criteria Version 2. Collection method: clinical testing. Allele origin: germline. Affected: yes. Observed: 1 variant allele.
Comment: CUX2: BP4, BS1

NM_015267.4(CUX2):c.3442G>A (p.Ala1148Thr)

Gene: CUX2 (cut like homeobox 2; plus strand). Cytogenetic location: 12q24.12.
Variant type: single nucleotide variant.
Coding change: c.3442G>A on transcript NM_015267.4 (MANE Select); coding-DNA position 3442, G replaced by A.
Protein change: p.Ala1148Thr; replaces alanine 1148 with threonine.
Molecular consequence: missense variant.
Genome position (GRCh38, 1-based): chr12:111,341,836, G>A. VCF-style: chr12-111341836-G-A. GRCh37 (hg19) VCF-style: chr12-111779640-G-A.
Other names: c.3256G>A, p.Ala1086Thr (NM_001370598.1); c.3442G>A (NM_015267.3); short protein forms A1086T, A1148T.
Identifiers: ClinVar variation 2643308 (VCV002643308.25), dbSNP rs201245757, ClinGen allele CA6789133.